The following is an entry in ClinVar:

ClinVar aggregate classification (germline): Uncertain significance (1 of 4 stars; one submission).

Submission:

CeGaT Center for Human Genetics Tuebingen
Classification: Uncertain significance. Last evaluated: 2026-09-01. Review status: criteria provided, single submitter. Criteria: CeGaT Center For Human Genetics Tuebingen Variant Classification Criteria Version 2. Collection method: clinical testing. Allele origin: germline. Affected: yes. Observed: 1 variant allele.
Comment: PDK3: PM2

NM_005391.5(PDK3):c.1190G>A (p.Arg397Lys)

Gene: PDK3 (pyruvate dehydrogenase kinase 3; plus strand). Cytogenetic location: Xp22.11.
Variant type: single nucleotide variant.
Coding change: c.1190G>A on transcript NM_005391.5 (MANE Select); coding-DNA position 1190, G replaced by A.
Protein change: p.Arg397Lys; replaces arginine 397 with lysine.
Molecular consequence: missense variant.
Genome position (GRCh38, 1-based): chrX:24,534,041, G>A. VCF-style: chrX-24534041-G-A. GRCh37 (hg19) VCF-style: chrX-24552158-G-A.
Other names: c.1190G>A, p.Arg397Lys (NM_001142386.3); short protein forms R397K.
Identifiers: ClinVar variation 5041846 (VCV005041846.1).
Genomic context (GRCh38, chrX:24,534,041, plus strand): 5'-GGCGCCATTACAAGACCACGCCTGAAGCCGATGATTGGAGCAATCCCAGCAGTGAACCCA[G>A]GGATGCTTCAAAATACAAAGCAAAACAGTAATATACCACCTTGATTTCCATTACAAAGTA-3'
Protein context (NP_005382.1, residues 387-406): DDWSNPSSEP[Arg397Lys]DASKYKAKQ